The following is an entry in ClinVar:

ClinVar aggregate classification (germline): Uncertain significance. Review status: criteria provided, multiple submitters, no conflicts (2 of 4 stars). 2 submissions from 2 submitters: Uncertain significance (2). Last evaluated 2026-03-08.

Conditions:
Hereditary cancer-predisposing syndrome. Also called: Tumor predisposition; Neoplastic Syndromes, Hereditary; Hereditary Cancer Syndrome; Hereditary neoplastic syndrome. Identifiers: Orphanet 140162, MedGen C0027672, MeSH D009386, MONDO:0015356.
Tumor predisposition syndrome 3 (TPDS3). Also called: Melanoma, cutaneous malignant, susceptibility to, 10; Glioma susceptibility 9; LONG TELOMERE SYNDROME, POT1-RELATED; POT1 Tumor Predisposition. Identifiers: Orphanet 618, MedGen C4014476, MONDO:0014368, OMIM 615848.

Submissions (2):

Ambry Genetics
Classification: Uncertain significance for Hereditary cancer-predisposing syndrome. Last evaluated: 2026-03-08. Review status: criteria provided, single submitter. Criteria: Ambry Variant Classification Scheme 2023. Collection method: clinical testing. Allele origin: germline.
Comment: The p.I336M variant (also known as c.1008A>G), located in coding exon 9 of the POT1 gene, results from an A to G substitution at nucleotide position 1008. The isoleucine at codon 336 is replaced by methionine, an amino acid with highly similar properties. This amino acid position is conserved. In addition, this alteration is predicted to be tolerated by in silico analysis. Based on the available evidence, the clinical significance of this variant remains unclear.

Labcorp Genetics (formerly Invitae), Labcorp
Classification: Uncertain significance for Tumor predisposition syndrome 3. Last evaluated: 2024-04-16. Review status: criteria provided, single submitter. Criteria: Invitae Variant Classification Sherloc (09022015). Collection method: clinical testing. Allele origin: germline.
Comment: This sequence change replaces isoleucine, which is neutral and non-polar, with methionine, which is neutral and non-polar, at codon 336 of the POT1 protein (p.Ile336Met). This variant is not present in population databases (gnomAD no frequency). This variant has not been reported in the literature in individuals affected with POT1-related conditions. ClinVar contains an entry for this variant (Variation ID: 1408029). An algorithm developed to predict the effect of missense changes on protein structure and function (PolyPhen-2) suggests that this variant is likely to be tolerated. In summary, the available evidence is currently insufficient to determine the role of this variant in disease. Therefore, it has been classified as a Variant of Uncertain Significance.

NM_015450.3(POT1):c.1008A>G (p.Ile336Met)

Gene: POT1 (protection of telomeres 1; minus strand). Cytogenetic location: 7q31.33.
Variant type: single nucleotide variant.
Coding change: c.1008A>G on transcript NM_015450.3 (MANE Select); coding-DNA position 1008, A replaced by G.
Protein change: p.Ile336Met; replaces isoleucine 336 with methionine.
Molecular consequence: missense variant. On other transcripts: non-coding transcript variant (3).
Genome position (GRCh38, 1-based): chr7:124,842,962, T>C on the plus strand (A>G on the coding strand, the complement: POT1 is on the minus strand). VCF-style: chr7-124842962-T-C. GRCh37 (hg19) VCF-style: chr7-124483016-T-C.
Other names: c.615A>G, p.Ile205Met (NM_001042594.2); c.1008A>G (NM_015450.2); short protein forms I205M, I336M.
Identifiers: ClinVar variation 1408029 (VCV001408029.7), dbSNP rs2116468417, ClinGen allele CA369068659.
Genomic context (GRCh38, chr7:124,842,962, plus strand): 5'-AGCTTTTTGTTTCAAAATGGCACATAGTGGTGTCCTCTCCAAATACTGATGATCTGTAAG[T>C]ACTGTAAAGAATTTTTATATTCAATCAGAATAACAAGAATCATATTTATGACATGCATCC-3'
Protein context (NP_056265.2, residues 326-346): VERCQQLSAT[Ile336Met]LTDHQYLERT